The following is an entry in ClinVar:

ClinVar aggregate classification (germline): Likely benign (0 of 4 stars; one submission).

Conditions:
ZNF526-related disorder. Also called: ZNF526-related condition.

Allele frequency attached by ClinVar (database versions not stated): ExAC 0.00004; gnomAD 0.00004; TOPMed 0.00005; gnomAD exomes 0.00007.

Submission:

PreventionGenetics, part of Exact Sciences
Classification: Likely benign for ZNF526-related condition. Last evaluated: 2019-09-05. Review status: no assertion criteria provided. Collection method: clinical testing. Allele origin: germline.
Comment: This variant is classified as likely benign based on ACMG/AMP sequence variant interpretation guidelines (Richards et al. 2015 PMID: 25741868, with internal and published modifications).

NM_133444.3(ZNF526):c.*1C>T

Gene: ZNF526 (zinc finger protein 526; plus strand). Cytogenetic location: 19q13.2.
Variant type: single nucleotide variant.
Coding change: c.*1C>T on transcript NM_133444.3 (MANE Select); 1 bases downstream of the stop codon, C replaced by T.
Molecular consequence: 3 prime UTR variant.
Genome position (GRCh38, 1-based): chr19:42,226,417, C>T. VCF-style: chr19-42226417-C-T. GRCh37 (hg19) VCF-style: chr19-42730569-C-T.
Other names: c.*1C>T (NM_001314033.3).
Identifiers: ClinVar variation 3053486 (VCV003053486.2), dbSNP rs755140702, ClinGen allele CA9470701.
Genomic context (GRCh38, chr19:42,226,417, plus strand): 5'-GCTGCACTGGGGGCCAGTGAAGCAGGCGGGCTCTTGCAGTTGGACACGGCCTTCGTGTGA[C>T]GCAGCTGAAAAGCAACAACAAAAGGGTTTGGTTGCAACAGCCAGTGTGGGTACCTCTGGG-3'